The following is an entry in ClinVar:

ClinVar aggregate classification (germline): Uncertain significance (1 of 4 stars; one submission).

Submission:

Clinical Genomics Laboratory, Laboratory for Precision Diagnostics, University of Washington
Classification: Uncertain significance. Last evaluated: 2017-05-12. Review status: criteria provided, single submitter. Criteria: Clinical Cytogenomics Laboratory Policy on CNV Interpretation. Collection method: clinical testing. Allele origin: unknown. Affected: yes. Observed: 1 variant allele.

GRCh37/hg19 5q11.2(chr5:53326381-53739530)x3

Gene: ARL15 (ARF like GTPase 15; minus strand). Cytogenetic location: 5q11.2.
Variant type: copy number gain.
Change: copy number 3 (three copies instead of two) of chr5:53,326,381-53,739,530 (413.1 kb, GRCh37 coordinates, 1-based), cytogenetic band 5q11.2.
Identifiers: ClinVar variation 446347 (VCV000446347.4).